The following is an entry in ClinVar:

ClinVar aggregate classification (germline): Uncertain significance (1 of 4 stars; one submission).

Conditions:
Hereditary cancer-predisposing syndrome. Also called: Hereditary Cancer Syndrome; Hereditary neoplastic syndrome; Neoplastic Syndromes, Hereditary; Tumor predisposition. Identifiers: Orphanet 140162, MedGen C0027672, MeSH D009386, MONDO:0015356.

Submission:

Ambry Genetics
Classification: Uncertain significance for Hereditary cancer-predisposing syndrome. Last evaluated: 2026-08-24. Review status: criteria provided, single submitter. Criteria: Ambry Variant Classification Scheme 2023. Collection method: clinical testing. Allele origin: germline.
Comment: The p.F1186L variant (also known as c.3558C>A), located in coding exon 16 of the MET gene, results from a C to A substitution at nucleotide position 3558. The phenylalanine at codon 1186 is replaced by leucine, an amino acid with highly similar properties. This amino acid position is highly conserved in available vertebrate species. In addition, this alteration is predicted to be deleterious by in silico analysis. Based on the available evidence, the clinical significance of this variant remains unclear.

NM_000245.4(MET):c.3504C>A (p.Phe1168Leu)

Gene: MET (MET proto-oncogene, receptor tyrosine kinase; plus strand). Cytogenetic location: 7q31.2.
Variant type: single nucleotide variant.
Coding change: c.3504C>A on transcript NM_000245.4 (MANE Select); coding-DNA position 3504, C replaced by A.
Protein change: p.Phe1168Leu; replaces phenylalanine 1168 with leucine.
Molecular consequence: missense variant.
Genome position (GRCh38, 1-based): chr7:116,778,939, C>A. VCF-style: chr7-116778939-C-A. GRCh37 (hg19) VCF-style: chr7-116418993-C-A.
Other names: c.3558C>A, p.Phe1186Leu (NM_001127500.3); c.2214C>A, p.Phe738Leu (NM_001324402.2); short protein forms F1168L, F1186L, F738L.
Identifiers: ClinVar variation 3872361 (VCV003872361.2).
Genomic context (GRCh38, chr7:116,778,939, plus strand): 5'-AAGTGAAGGGTCTCCGCTGGTGGTCCTACCATACATGAAACATGGAGATCTTCGAAATTT[C>A]ATTCGAAATGAGACTCATGTAAGTTGACTGCCAAGCTTACTAACTGGCAAACTAGCTGTA-3'
Protein context (NP_000236.2, residues 1158-1178): PYMKHGDLRN[Phe1168Leu]IRNETHNPTV